The following is an entry in ClinVar:

NM_000384.3(APOB):c.916A>T (p.Met306Leu)

Gene: APOB (apolipoprotein B; minus strand). Cytogenetic location: 2p24.1.
Variant type: single nucleotide variant.
Coding change: c.916A>T on transcript NM_000384.3 (MANE Select); coding-DNA position 916, A replaced by T.
Protein change: p.Met306Leu; replaces methionine 306 with leucine.
Molecular consequence: missense variant.
Genome position (GRCh38, 1-based): chr2:21,033,507, T>A on the plus strand (A>T on the coding strand, the complement: APOB is on the minus strand). VCF-style: chr2-21033507-T-A. GRCh37 (hg19) VCF-style: chr2-21256379-T-A.
Other names: short protein forms M306L.
Identifiers: ClinVar variation 3231470 (VCV003231470.2), dbSNP rs2465436195, ClinGen allele CA345959577.

ClinVar aggregate classification (germline): Uncertain significance. Review status: criteria provided, multiple submitters, no conflicts (2 of 4 stars). 2 submissions from 2 submitters: Uncertain significance (2). Last evaluated 2025-08-22.

Conditions:
Cardiovascular phenotype. Identifiers: MedGen CN230736.
Hypercholesterolemia, autosomal dominant, type B (FHCL2). Also called: Familial Hypercholesterolemia Type B; APOLIPOPROTEIN B-100, FAMILIAL DEFECTIVE; APOLIPOPROTEIN B-100, FAMILIAL LIGAND-DEFECTIVE; HYPERCHOLESTEROLEMIA, FAMILIAL, DUE TO LIGAND-DEFECTIVE APOLIPOPROTEIN B; Familial hypercholesterolemia 2; APOB-Related Familial Hypercholesterolemia, Autosomal Dominant. Identifiers: MedGen C1704417, MONDO:0007751, OMIM 144010.
Familial hypobetalipoproteinemia 1. Also called: APOB-Related Familial Hypobetalipoproteinemia; Hypobetalipoproteinemia, normotriglyceridemic; Acanthocytosis with hypobetalipoproteinemia. Identifiers: MedGen C4551990, MONDO:0014252, OMIM 615558.

Allele frequency attached by ClinVar (database versions not stated): gnomAD exomes below 0.00001.

Submissions (2):

Labcorp Genetics (formerly Invitae), Labcorp
Classification: Uncertain significance for Familial hypobetalipoproteinemia 1; Hypercholesterolemia, autosomal dominant, type B. Last evaluated: 2025-08-22. Review status: criteria provided, single submitter. Criteria: Invitae Variant Classification Sherloc (09022015). Collection method: clinical testing. Allele origin: germline.
Comment: This sequence change replaces methionine, which is neutral and non-polar, with leucine, which is neutral and non-polar, at codon 306 of the APOB protein (p.Met306Leu). This variant is not present in population databases (gnomAD no frequency). This missense change has been observed in individual(s) with dyslipidemia (internal data). ClinVar contains an entry for this variant (Variation ID: 3231470). Invitae Evidence Modeling of protein sequence and biophysical properties (such as structural, functional, and spatial information, amino acid conservation, physicochemical variation, residue mobility, and thermodynamic stability) indicates that this missense variant is not expected to disrupt APOB protein function with a negative predictive value of 95%. In summary, the available evidence is currently insufficient to determine the role of this variant in disease. Therefore, it has been classified as a Variant of Uncertain Significance.

Ambry Genetics
Classification: Uncertain significance for Cardiovascular phenotype. Last evaluated: 2023-12-30. Review status: criteria provided, single submitter. Criteria: Ambry Variant Classification Scheme 2023. Collection method: clinical testing. Allele origin: germline.
Comment: The p.M306L variant (also known as c.916A>T), located in coding exon 9 of the APOB gene, results from an A to T substitution at nucleotide position 916. The methionine at codon 306 is replaced by leucine, an amino acid with highly similar properties. This amino acid position is conserved. In addition, this alteration is predicted to be tolerated by in silico analysis. Since supporting evidence is limited at this time, the clinical significance of this alteration remains unclear.